The following is an entry in ClinVar:

NM_001365999.1(SZT2):c.2176G>A (p.Val726Met)

Gene: SZT2 (SZT2 subunit of KICSTOR complex; plus strand). Cytogenetic location: 1p34.2.
Variant type: single nucleotide variant.
Coding change: c.2176G>A on transcript NM_001365999.1 (MANE Select); coding-DNA position 2176, G replaced by A.
Protein change: p.Val726Met; replaces valine 726 with methionine.
Molecular consequence: missense variant.
Genome position (GRCh38, 1-based): chr1:43,423,237, G>A. VCF-style: chr1-43423237-G-A. GRCh37 (hg19) VCF-style: chr1-43888908-G-A.
Other names: c.2176G>A, p.Val726Met (NM_015284.4); short protein forms V726M.
Identifiers: ClinVar variation 652683 (VCV000652683.8), dbSNP rs200614334, ClinGen allele CA808630.

ClinVar aggregate classification (germline): Uncertain significance (1 of 4 stars; one submission).

Allele frequency attached by ClinVar (database versions not stated): ExAC 0.00001; gnomAD 0.00001; gnomAD exomes 0.00001; TOPMed 0.00003.
gnomAD v4.1: 24 of 1,592,082 alleles (0.0015%); highest among the groups gnomAD compares: East Asian, 0.0045%; no homozygotes.

Submission:

Labcorp Genetics (formerly Invitae), Labcorp
Classification: Uncertain significance. Last evaluated: 2022-11-01. Review status: criteria provided, single submitter. Criteria: Invitae Variant Classification Sherloc (09022015). Collection method: clinical testing. Allele origin: germline.
Comment: This sequence change replaces valine, which is neutral and non-polar, with methionine, which is neutral and non-polar, at codon 726 of the SZT2 protein (p.Val726Met). This variant is present in population databases (rs200614334, gnomAD 0.003%). This variant has not been reported in the literature in individuals affected with SZT2-related conditions. ClinVar contains an entry for this variant (Variation ID: 652683). Advanced modeling of protein sequence and biophysical properties (such as structural, functional, and spatial information, amino acid conservation, physicochemical variation, residue mobility, and thermodynamic stability) performed at Invitae indicates that this missense variant is not expected to disrupt SZT2 protein function. In summary, the available evidence is currently insufficient to determine the role of this variant in disease. Therefore, it has been classified as a Variant of Uncertain Significance.